The following is an entry in ClinVar:

NM_001369268.1(ACAN):c.2066G>A (p.Gly689Asp)

Gene: ACAN (aggrecan; plus strand). Cytogenetic location: 15q26.1.
Variant type: single nucleotide variant.
Coding change: c.2066G>A on transcript NM_001369268.1 (MANE Select); coding-DNA position 2066, G replaced by A.
Protein change: p.Gly689Asp; replaces glycine 689 with aspartic acid.
Molecular consequence: missense variant.
Genome position (GRCh38, 1-based): chr15:88,851,833, G>A. VCF-style: chr15-88851833-G-A. GRCh37 (hg19) VCF-style: chr15-89395064-G-A.
Other names: c.2066G>A, p.Gly689Asp (NM_001135.4, NM_013227.4); short protein forms G689D.
Identifiers: ClinVar variation 1318825 (VCV001318825.4), dbSNP rs764128416, ClinGen allele CA7719795.
Genomic context (GRCh38, chr15:88,851,833, plus strand): 5'-GACCACCCACATCTCCTTTAGGCATTTCAGCGGTTCCTTCTCCAGGAGAAGAAGAGGGTG[G>A]CACACCCACATCACCCTCTGGTGTGGAGGAGTGGATCGTGACCCAAGTGGTTCCTGGTGT-3'
Protein context (NP_001356197.1, residues 679-699): AVPSPGEEEG[Gly689Asp]TPTSPSGVEE

ClinVar aggregate classification (germline): Uncertain significance. Review status: criteria provided, multiple submitters, no conflicts (2 of 4 stars). 2 submissions from 2 submitters: Uncertain significance (2). Last evaluated 2025-12-27.

Allele frequency attached by ClinVar (database versions not stated): ExAC 0.00002; gnomAD 0.00004 and 0.00003; gnomAD exomes 0.00002 and 0.00005; TOPMed 0.00003.
gnomAD v4.1: 18 of 1,608,730 alleles (0.0011%); highest among the groups gnomAD compares: Admixed American, 0.03%; no homozygotes.

Submissions (2):

Labcorp Genetics (formerly Invitae), Labcorp
Classification: Uncertain significance. Last evaluated: 2025-12-27. Review status: criteria provided, single submitter. Criteria: Invitae Variant Classification Sherloc (09022015). Collection method: clinical testing. Allele origin: germline.
Comment: This sequence change replaces glycine, which is neutral and non-polar, with aspartic acid, which is acidic and polar, at codon 689 of the ACAN protein (p.Gly689Asp). This variant is present in population databases (rs764128416, gnomAD 0.04%). This variant has not been reported in the literature in individuals affected with ACAN-related conditions. ClinVar contains an entry for this variant (Variation ID: 1318825). Invitae Evidence Modeling of protein sequence and biophysical properties (such as structural, functional, and spatial information, amino acid conservation, physicochemical variation, residue mobility, and thermodynamic stability) indicates that this missense variant is not expected to disrupt ACAN protein function with a negative predictive value of 80%. In summary, the available evidence is currently insufficient to determine the role of this variant in disease. Therefore, it has been classified as a Variant of Uncertain Significance.

GeneDx
Classification: Uncertain significance. Last evaluated: 2020-02-05. Review status: criteria provided, single submitter. Criteria: GeneDx Variant Classification Process June 2021. Collection method: clinical testing. Allele origin: germline. Affected: yes.
Comment: In silico analysis supports that this missense variant has a deleterious effect on protein structure/function; Has not been previously published as pathogenic or benign to our knowledge